The following is an entry in ClinVar:

ClinVar aggregate classification (germline): Conflicting classifications of pathogenicity. Review status: criteria provided, conflicting classifications (1 of 4 stars). 2 submissions from 2 submitters: Uncertain significance (1); Likely benign (1). Last evaluated 2023-03-09.

Conditions:
Arrhythmogenic cardiomyopathy with wooly hair and keratoderma. Also called: PALMOPLANTAR KERATODERMA WITH LEFT VENTRICULAR CARDIOMYOPATHY AND WOOLLY HAIR; Carvajal syndrome; Dilated cardiomyopathy with woolly hair and keratoderma; Arrhythmogenic cardiomyopathy with woolly hair and keratoderma. Identifiers: Orphanet 65282, MedGen C1854063, MONDO:0011581, OMIM 605676.
Cardiovascular phenotype. Identifiers: MedGen CN230736.

Allele frequency attached by ClinVar (database versions not stated): gnomAD exomes below 0.00001; TOPMed below 0.00001.
gnomAD v4.1: 2 of 1,614,132 alleles (0.00012%); highest among the groups gnomAD compares: African/African-American, 0.0013%; no homozygotes.

Submissions (2):

All of Us Research Program, National Institutes of Health
Classification: Likely benign for Arrhythmogenic cardiomyopathy with wooly hair and keratoderma. Last evaluated: 2023-03-09. Review status: criteria provided, single submitter. Criteria: ACMG Guidelines, 2015. Collection method: clinical testing. Allele origin: germline. Inheritance: Autosomal dominant inheritance. Observed: 1 variant allele, 1 heterozygote.
Comment: This study involves interpretation of variants in research participants for the purpose of population health screening. Participant phenotype was not available at the time of variant classification. Additional details can be found in publication PMID: 35346344, PMCID: PMC8962531

Ambry Genetics
Classification: Uncertain significance for Cardiovascular phenotype. Last evaluated: 2023-03-01. Review status: criteria provided, single submitter. Criteria: Ambry Variant Classification Scheme 2023. Collection method: clinical testing. Allele origin: germline.
Comment: The c.1575-5C>T intronic variant results from a C to T substitution 5 nucleotides upstream from coding exon 13 in the DSP gene. This nucleotide position is not well conserved in available vertebrate species. In silico splice site analysis predicts that this alteration will not have any significant effect on splicing. Since supporting evidence is limited at this time, the clinical significance of this alteration remains unclear.

NM_004415.4(DSP):c.1575-5C>T

Gene: DSP (desmoplakin; plus strand). Cytogenetic location: 6p24.3.
Variant type: single nucleotide variant.
Coding change: c.1575-5C>T on transcript NM_004415.4 (MANE Select); 5 bases into the intron before coding-DNA position 1575, C replaced by T.
Molecular consequence: intron variant.
Genome position (GRCh38, 1-based): chr6:7,570,432, C>T. VCF-style: chr6-7570432-C-T. GRCh37 (hg19) VCF-style: chr6-7570665-C-T.
Other names: c.1575-5C>T (NM_001319034.2, NM_001008844.3).
Identifiers: ClinVar variation 2453270 (VCV002453270.3), dbSNP rs1759007844, ClinGen allele CA1608626085.